The following is an entry in ClinVar:

ClinVar aggregate classification (germline): Uncertain significance (1 of 4 stars; one submission).

Conditions:
Cardiovascular phenotype. Identifiers: MedGen CN230736.

gnomAD v4.1: 1 of 1,587,548 alleles (0.000063%); highest among the groups gnomAD compares: Non-Finnish European, 0.000086%; no homozygotes.

Submission:

Ambry Genetics
Classification: Uncertain significance for Cardiovascular phenotype. Last evaluated: 2024-09-05. Review status: criteria provided, single submitter. Criteria: Ambry Variant Classification Scheme 2023. Collection method: clinical testing. Allele origin: germline.
Comment: The p.P1088T variant (also known as c.3262C>A), located in coding exon 30 of the MYBPC3 gene, results from a C to A substitution at nucleotide position 3262. The proline at codon 1088 is replaced by threonine, an amino acid with highly similar properties. This amino acid position is highly conserved in available vertebrate species. In addition, the in silico prediction for this alteration is inconclusive. Based on the available evidence, the clinical significance of this variant remains unclear.

NM_000256.3(MYBPC3):c.3262C>A (p.Pro1088Thr)

Gene: MYBPC3 (myosin binding protein C3; minus strand). Cytogenetic location: 11p11.2.
Variant type: single nucleotide variant.
Coding change: c.3262C>A on transcript NM_000256.3 (MANE Select); coding-DNA position 3262, C replaced by A.
Protein change: p.Pro1088Thr; replaces proline 1088 with threonine.
Molecular consequence: missense variant.
Genome position (GRCh38, 1-based): chr11:47,333,262, G>T on the plus strand (C>A on the coding strand, the complement: MYBPC3 is on the minus strand). VCF-style: chr11-47333262-G-T. GRCh37 (hg19) VCF-style: chr11-47354813-G-T.
Other names: short protein forms P1088T.
Identifiers: ClinVar variation 3400417 (VCV003400417.1).
Genomic context (GRCh38, chr11:47,333,262, plus strand): 5'-TCTTGTCGGCTTTCTGCACTGTGTACCCCCAGAGCTCCGTGTTGCCGACATCCTGGGGTG[G>T]CTTCCACTCCAGAGCCACATTAAGACCCCAGGCGTCAGTCACCCGGAGATCCTGGGGAGG-3'
Protein context (NP_000247.2, residues 1078-1098): WGLNVALEWK[Pro1088Thr]PQDVGNTELW